The following is an entry in ClinVar:

NM_173560.4(RFX6):c.508A>G (p.Ile170Val)

Gene: RFX6 (regulatory factor X6; plus strand). Cytogenetic location: 6q22.1.
Variant type: single nucleotide variant.
Coding change: c.508A>G on transcript NM_173560.4 (MANE Select); coding-DNA position 508, A replaced by G.
Protein change: p.Ile170Val; replaces isoleucine 170 with valine.
Molecular consequence: missense variant.
Genome position (GRCh38, 1-based): chr6:116,882,370, A>G. VCF-style: chr6-116882370-A-G. GRCh37 (hg19) VCF-style: chr6-117203533-A-G.
Other names: short protein forms I170V.
Identifiers: ClinVar variation 4984204 (VCV004984204.1).

ClinVar aggregate classification (germline): Uncertain significance (1 of 4 stars; one submission).

Conditions:
RFX6-related disorder. Also called: RFX6-related condition.

gnomAD v4.1: 17 of 1,612,396 alleles (0.0011%); highest among the groups gnomAD compares: Non-Finnish European, 0.0013%; no homozygotes.

Submission:

PreventionGenetics, part of Exact Sciences
Classification: Uncertain significance for RFX6-related condition. Last evaluated: 2025-07-22. Review status: criteria provided, single submitter. Criteria: ACMG Guidelines, 2015. Collection method: clinical testing. Allele origin: germline.
Comment: The RFX6 c.508A>G variant is predicted to result in the amino acid substitution p.Ile170Val. To our knowledge, this variant has not been reported in the literature. This variant is reported in 0.0053% of alleles in individuals of European (Non-Finnish) descent in gnomAD. At this time, the clinical significance of this variant is uncertain due to the absence of conclusive functional and genetic evidence.